The following is an entry in ClinVar:

ClinVar aggregate classification (germline): Uncertain significance (1 of 4 stars; one submission).

Conditions:
Breast-ovarian cancer, familial, susceptibility to, 2 (BROVCA2). Also called: BRCA2 Hereditary Breast and Ovarian Cancer. Identifiers: Orphanet 145, MedGen C2675520, MONDO:0012933, OMIM 612555. Disease mechanism: loss of function.

Submission:

MVZ Medizinische Genetik Mainz
Classification: Uncertain significance for Breast-ovarian cancer, familial, susceptibility to, 2. Last evaluated: 2023-11-02. Review status: criteria provided, single submitter. Criteria: UK Practice Guidelines For Variant Classification V4 01 2020. Collection method: clinical testing. Allele origin: germline. Inheritance: Autosomal dominant inheritance. Affected: yes. Observed: 1 variant allele.
Comment: ACMG Criteria: PM2_SUP_MOD,PM1_SUP,PM4_SUP

NM_000059.4(BRCA2):c.9016_9021del (p.Tyr3006_Arg3007del)

Gene: BRCA2 (BRCA2 DNA repair associated; plus strand). Cytogenetic location: 13q13.1.
Variant type: Deletion.
Coding change: c.9016_9021del on transcript NM_000059.4 (MANE Select); coding-DNA positions 9016 to 9021, 6 bases deleted (TACAGA; older notation c.9016_9021delTACAGA).
Protein change: p.Tyr3006_Arg3007del.
Molecular consequence: inframe deletion. On other transcripts: non-coding transcript variant (1).
Genome position (GRCh38, 1-based): chr13:32,379,812-32,379,817, TACAGA deleted; deleting any 6 consecutive bases within chr13:32,379,809-32,379,817 gives the same sequence; the c. name uses the placement nearest the transcript's 3' end. VCF-style (leftmost placement, unchanged base first): chr13-32379808-GAGATAC-G. GRCh37 (hg19) VCF-style: chr13-32953945-GAGATAC-G.
Other names: c.8920_8925del, p.Tyr2974_Arg2975del (NM_001406719.1); c.8965_8970del, p.Tyr2989_Arg2990del (NM_001406720.1); c.4084_4089del, p.Tyr1362_Arg1363del (NM_001406721.1); c.2599_2604del, p.Tyr867_Arg868del (NM_001406722.1).
Identifiers: ClinVar variation 3236207 (VCV003236207.1), dbSNP rs2548555632, ClinGen allele CA2825002166.